The following is an entry in ClinVar:

NM_001370466.1(NOD2):c.721C>T (p.Pro241Ser)

Gene: NOD2 (nucleotide binding oligomerization domain containing 2; plus strand). Cytogenetic location: 16q12.1.
Variant type: single nucleotide variant.
Coding change: c.721C>T on transcript NM_001370466.1 (MANE Select); coding-DNA position 721, C replaced by T.
Protein change: p.Pro241Ser; replaces proline 241 with serine.
Molecular consequence: missense variant. On other transcripts: non-coding transcript variant (1).
Genome position (GRCh38, 1-based): chr16:50,710,713, C>T. VCF-style: chr16-50710713-C-T. GRCh37 (hg19) VCF-style: chr16-50744624-C-T.
Other names: c.721C>T, p.Pro241Ser (NM_001293557.2); c.802C>T, p.Pro268Ser (NM_022162.3); short protein forms P268S, P241S.
Identifiers: ClinVar variation 319435 (VCV000319435.45), dbSNP rs2066842, ClinGen allele CA8051397.

ClinVar aggregate classification (germline): Benign/Likely benign. Review status: criteria provided, multiple submitters, no conflicts (2 of 4 stars). 13 submissions from 12 submitters: Benign (9); Likely benign (2). 2 of the submissions do not count toward it. Last evaluated 2026-02-04.

Conditions:
Autoinflammatory syndrome. Identifiers: Orphanet 93665, MedGen C3890737, MONDO:0019751.
Inflammatory bowel disease 1 (IBD1). Also called: Inflammatory bowel disease 1, Crohn disease; INFLAMMATORY BOWEL DISEASE (CROHN DISEASE) 1. Identifiers: MedGen CN260071, MONDO:0009960, OMIM 266600.
Blau syndrome (BLAUS). Also called: GRANULOMATOSIS, FAMILIAL JUVENILE SYSTEMIC; GRANULOMATOSIS, FAMILIAL, BLAU TYPE; GRANULOMATOUS INFLAMMATORY ARTHRITIS, DERMATITIS, AND UVEITIS, FAMILIAL; ARTHROCUTANEOUVEAL GRANULOMATOSIS; JABS SYNDROME. Identifiers: Orphanet 90340, MedGen C5201146, MONDO:0008523, OMIM 186580.
Regional enteritis. Also called: Enteritis, Granulomatous. Identifiers: MedGen C0678202, MeSH D003424.

Allele frequency attached by ClinVar (database versions not stated): 1000 Genomes Project 0.10204; 1000 Genomes Project 30x 0.10806; TOPMed 0.17620; gnomAD 0.17678 and 0.17968; ESP Exome Variant Server 0.19768.

Submissions (13):

Labcorp Genetics (formerly Invitae), Labcorp
Classification: Benign for Regional enteritis; Blau syndrome. Last evaluated: 2026-02-04. Review status: criteria provided, single submitter. Criteria: Invitae Variant Classification Sherloc (09022015). Collection method: clinical testing. Allele origin: germline.

Women's Health and Genetics/Laboratory Corporation of America, LabCorp
Classification: Likely benign. Last evaluated: 2026-01-21. Review status: criteria provided, single submitter. Criteria: LabCorp Variant Classification Summary - May 2015. Collection method: clinical testing. Allele origin: germline.

ARUP Laboratories, Molecular Genetics and Genomics, ARUP Laboratories
Classification: Benign. Last evaluated: 2025-07-09. Review status: criteria provided, single submitter. Criteria: ARUP Molecular Germline Variant Investigation Process 2024. Collection method: clinical testing. Allele origin: germline.

Blueprint Genetics
Classification: Likely benign. Last evaluated: 2024-11-27. Review status: criteria provided, single submitter. Criteria: ACMG Guidelines, 2015. Collection method: clinical testing. Allele origin: germline.

Unidad de Genómica Garrahan, Hospital de Pediatría Garrahan
Classification: Benign. Last evaluated: 2023-11-12. Review status: criteria provided, single submitter. Criteria: ACMG Guidelines, 2015. Collection method: clinical testing. Allele origin: germline. Affected: no. Observed: 31 variant alleles.
Comment: This variant is classified as Benign based on local population frequency. This variant was detected in 32% of patients studied by a panel of primary immunodeficiencies. Number of patients: 31. Only high quality variants are reported.

Genome Diagnostics Laboratory, The Hospital for Sick Children
Classification: Benign for Autoinflammatory syndrome. Last evaluated: 2022-01-20. Review status: criteria provided, single submitter. Criteria: ACMG Guidelines, 2015. Collection method: clinical testing. Allele origin: germline. Affected: yes.

Mayo Clinic Laboratories, Mayo Clinic
Classification: Benign. Last evaluated: 2018-04-11. Review status: criteria provided, single submitter. Criteria: ACMG Guidelines, 2015. Collection method: clinical testing. Allele origin: germline. Observed: 395 variant alleles.

Illumina Laboratory Services, Illumina
Classification: Benign for Inflammatory bowel disease 1. Last evaluated: 2017-04-27. Review status: criteria provided, single submitter. Criteria: ICSL Variant Classification Criteria 13 December 2019. Collection method: clinical testing. Allele origin: germline.
Comment: This variant was observed as part of a predisposition screen in an ostensibly healthy population. A literature search was performed for the gene, cDNA change, and amino acid change (where applicable). Publications were found based on this search. The evidence from the literature, in combination with allele frequency data from public databases where available, was sufficient to rule this variant out of causing disease. Therefore, this variant is classified as benign.

Illumina Laboratory Services, Illumina
Classification: Benign for Blau syndrome. Last evaluated: 2017-04-27. Review status: criteria provided, single submitter. Criteria: ICSL Variant Classification Criteria 13 December 2019. Collection method: clinical testing. Allele origin: germline.
Comment: This variant was observed as part of a predisposition screen in an ostensibly healthy population. A literature search was performed for the gene, cDNA change, and amino acid change (where applicable). No publications were found based on this search. Allele frequency data from public databases was too high to be consistent with this variant causing disease. Therefore, this variant is classified as benign.

Laboratory for Molecular Medicine, Mass General Brigham Personalized Medicine
Classification: Benign. Last evaluated: 2016-03-29. Review status: criteria provided, single submitter. Criteria: LMM Criteria. Collection method: clinical testing. Allele origin: germline.
Comment: Variant identified in a genome or exome case(s) and assessed due to predicted null impact of the variant or pathogenic assertions in the literature or databases. Disclaimer: This variant has not undergone full assessment. The following are preliminary notes: From periodic fever analysis: Potential risk allele for Crohn's disease and initiation and the progression of carcinogenesis in gastric mucosa.

Breakthrough Genomics
Classification: Benign. Review status: criteria provided, single submitter. Criteria: ACMG Guidelines, 2015. Collection method: not provided. Allele origin: germline. Inheritance: Multifactorial inheritance. Affected: yes.

Diagnostic Laboratory, Department of Genetics, University Medical Center Groningen
Classification: Benign. Review status: no assertion criteria provided. Collection method: clinical testing. Allele origin: germline. Affected: yes. Study: VKGL Data-share Consensus. Not counted in ClinVar's aggregate classification.

Genome Diagnostics Laboratory, University Medical Center Utrecht
Classification: Benign. Review status: no assertion criteria provided. Collection method: clinical testing. Allele origin: germline. Affected: yes. Study: VKGL Data-share Consensus. Not counted in ClinVar's aggregate classification.

Literature cited by the submitters: PubMed 18507017 (cited by Illumina Laboratory Services, Illumina); PubMed 20230816 (cited by Illumina Laboratory Services, Illumina).